The following is an entry in ClinVar:

ClinVar aggregate classification (germline): Uncertain significance (1 of 4 stars; one submission).

Conditions:
Dyskeratosis congenita. Identifiers: Orphanet 1775, MedGen C0265965, MONDO:0015780.

Submission:

Labcorp Genetics (formerly Invitae), Labcorp
Classification: Uncertain significance for Dyskeratosis congenita. Last evaluated: 2019-04-02. Review status: criteria provided, single submitter. Criteria: Invitae Variant Classification Sherloc (09022015). Collection method: clinical testing. Allele origin: germline.
Comment: Experimental studies and prediction algorithms are not available for this variant, and the functional significance of the affected amino acid(s) is currently unknown. In summary, the available evidence is currently insufficient to determine the role of this variant in disease. Therefore, it has been classified as a Variant of Uncertain Significance. This variant has not been reported in the literature in individuals with NHP2-related conditions. This variant is not present in population databases (ExAC no frequency). This variant, c.400_402del, results in the deletion of 1 amino acid(s) of the NHP2 protein (p.Glu134del), but otherwise preserves the integrity of the reading frame.

NM_017838.4(NHP2):c.397GAG[1] (p.Glu134del)

Genes: RMND5B (required for meiotic nuclear division 5 homolog B; plus strand), NHP2 (NHP2 ribonucleoprotein; minus strand). Cytogenetic location: 5q35.3.
Variant type: Microsatellite.
Coding change: c.397GAG[1] on transcript NM_017838.4 (MANE Select); one copy of the 3-base unit GAG starting at c.397; the reference has two copies in a row; one copy, 3 bases deleted; also written c.400_402del.
Protein change: p.Glu134del; deletes glutamic acid 134.
Molecular consequence: inframe deletion. On other transcripts: inframe indel (2), 3 prime UTR variant (5).
Genome position (GRCh38, 1-based): chr5:178,149,773-178,149,775, CTC deleted on the plus strand (GAG on the coding strand, the reverse complement: NHP2 is on the minus strand); deleting any 3 consecutive bases within chr5:178,149,773-178,149,778 gives the same sequence; the position shown is the placement nearest the transcript's 3' end. VCF-style (leftmost placement, unchanged base first): chr5-178149772-ACTC-A. GRCh37 (hg19) VCF-style: chr5-177576773-ACTC-A.
Other names: c.400_402del (NM_017838.3); c.*18GAG[1] (NM_001034833.2, NM_001396110.1); c.397_399GAG[1], p.Glu134del (NM_017838.3); c.*1741CTC[1] (NM_001288794.2, NM_001288795.2, NM_022762.5); short protein forms E134del.
Identifiers: ClinVar variation 854558 (VCV000854558.9), dbSNP rs1756214889, ClinGen allele CA916081471.